The following is an entry in ClinVar:

ClinVar aggregate classification (germline): Conflicting classifications of pathogenicity. Review status: criteria provided, conflicting classifications (1 of 4 stars). 2 submissions from 2 submitters: Uncertain significance (1); Likely benign (1). Last evaluated 2025-06-09.

Conditions:
Immunodeficiency, common variable, 7. Identifiers: Orphanet 1572, Orphanet 696894, MedGen C3542922, MONDO:0013862, OMIM 614699.
Inborn genetic diseases. Identifiers: MedGen C0950123, MeSH D030342.

Allele frequency attached by ClinVar (database versions not stated): TOPMed 0.00001; 1000 Genomes Project 0.00020; ExAC 0.00004; 1000 Genomes Project 30x 0.00016; gnomAD exomes 0.00003.
gnomAD v4.1: 24 of 1,613,798 alleles (0.0015%); highest among the groups gnomAD compares: Middle Eastern, 0.017%; no homozygotes.

Submissions (2):

Ambry Genetics
Classification: Likely benign for Inborn genetic diseases. Last evaluated: 2025-06-09. Review status: criteria provided, single submitter. Criteria: Ambry Variant Classification Scheme 2023. Collection method: clinical testing. Allele origin: germline.

Labcorp Genetics (formerly Invitae), Labcorp
Classification: Uncertain significance for Immunodeficiency, common variable, 7. Last evaluated: 2021-09-02. Review status: criteria provided, single submitter. Criteria: Invitae Variant Classification Sherloc (09022015). Collection method: clinical testing. Allele origin: germline.
Comment: This sequence change replaces alanine with valine at codon 470 of the CR2 protein (p.Ala470Val). The alanine residue is weakly conserved and there is a small physicochemical difference between alanine and valine. This variant is present in population databases (rs545091003, ExAC 0.006%). This variant has not been reported in the literature in individuals affected with CR2-related conditions. Algorithms developed to predict the effect of missense changes on protein structure and function output the following: SIFT: "Tolerated"; PolyPhen-2: "Benign"; Align-GVGD: "Class C0". The valine amino acid residue is found in multiple mammalian species, which suggests that this missense change does not adversely affect protein function. Algorithms developed to predict the effect of sequence changes on RNA splicing suggest that this variant may create or strengthen a splice site. In summary, the available evidence is currently insufficient to determine the role of this variant in disease. Therefore, it has been classified as a Variant of Uncertain Significance.

NM_001006658.3(CR2):c.1409C>T (p.Ala470Val)

Gene: CR2 (complement C3d receptor 2; plus strand). Cytogenetic location: 1q32.2.
Variant type: single nucleotide variant.
Coding change: c.1409C>T on transcript NM_001006658.3 (MANE Select); coding-DNA position 1409, C replaced by T.
Protein change: p.Ala470Val; replaces alanine 470 with valine.
Molecular consequence: missense variant.
Genome position (GRCh38, 1-based): chr1:207,471,003, C>T. VCF-style: chr1-207471003-C-T. GRCh37 (hg19) VCF-style: chr1-207644348-C-T.
Other names: c.1409C>T, p.Ala470Val (NM_001877.5); short protein forms A470V.
Identifiers: ClinVar variation 641914 (VCV000641914.7), dbSNP rs545091003, ClinGen allele CA1368718.